The following is an entry in ClinVar:

ClinVar aggregate classification (germline): Uncertain significance. Review status: criteria provided, multiple submitters, no conflicts (2 of 4 stars). 5 submissions from 5 submitters: Uncertain significance (5). Last evaluated 2026-08-19.

Conditions:
Hereditary cancer-predisposing syndrome. Also called: Neoplastic Syndromes, Hereditary; Hereditary Cancer Syndrome; Tumor predisposition; Hereditary neoplastic syndrome. Identifiers: Orphanet 140162, MedGen C0027672, MeSH D009386, MONDO:0015356.
Familial adenomatous polyposis 2. Also called: COLORECTAL ADENOMATOUS POLYPOSIS, AUTOSOMAL RECESSIVE; ADENOMAS, MULTIPLE COLORECTAL, AUTOSOMAL RECESSIVE; FAP type 2; MYH-associated polyposis; MUTYH-associated polyposis; MUTYH Polyposis. Identifiers: Orphanet 220460, Orphanet 247798, MedGen C3272841, MONDO:0012041, OMIM 608456.

Allele frequency attached by ClinVar (database versions not stated): ExAC 0.00001; ESP Exome Variant Server 0.00008; gnomAD exomes 0.00001 and 0.00002.
gnomAD v4.1: 28 of 1,614,160 alleles (0.0017%); highest among the groups gnomAD compares: Non-Finnish European, 0.0024%; no homozygotes.

Submissions (5):

Ambry Genetics
Classification: Uncertain significance for Hereditary cancer-predisposing syndrome. Last evaluated: 2026-08-19. Review status: criteria provided, single submitter. Criteria: Ambry Variant Classification Scheme 2023. Collection method: clinical testing. Allele origin: germline.
Comment: The p.H444R variant (also known as c.1331A>G), located in coding exon 14 of the MUTYH gene, results from an A to G substitution at nucleotide position 1331. The histidine at codon 444 is replaced by arginine, an amino acid with highly similar properties. In a massively parallel cell-based functional assay testing 7,8-dihydro-8-oxoguanine:adenine (8OG:A) repair activity, a byproduct of oxidative damage, this variant was reported to be functional (Hemker SL et al. Am J Hum Genet, 2025 Sep;112:2010-2026). This amino acid position is highly conserved in available vertebrate species. In addition, this alteration is predicted to be deleterious by in silico analysis. Based on the available evidence, the clinical significance of this variant remains unclear.

Labcorp Genetics (formerly Invitae), Labcorp
Classification: Uncertain significance for Familial adenomatous polyposis 2. Last evaluated: 2025-12-30. Review status: criteria provided, single submitter. Criteria: Invitae Variant Classification Sherloc (09022015). Collection method: clinical testing. Allele origin: germline.
Comment: This sequence change replaces histidine, which is basic and polar, with arginine, which is basic and polar, at codon 444 of the MUTYH protein (p.His444Arg). This variant is present in population databases (rs144309934, gnomAD 0.002%). This variant has not been reported in the literature in individuals affected with MUTYH-related conditions. ClinVar contains an entry for this variant (Variation ID: 142069). An algorithm developed to predict the effect of missense changes on protein structure and function (PolyPhen-2) suggests that this variant is likely to be disruptive. In summary, the available evidence is currently insufficient to determine the role of this variant in disease. Therefore, it has been classified as a Variant of Uncertain Significance.

Quest Diagnostics Nichols Institute San Juan Capistrano
Classification: Uncertain significance. Last evaluated: 2024-10-30. Review status: criteria provided, single submitter. Criteria: Quest Diagnostics criteria. Collection method: clinical testing. Allele origin: unknown.
Comment: The MUTYH c.1331A>G (p.His444Arg) variant has been reported in the published literature in an individual with breast cancer as well as in a reportedly healthy individual (PMID: 33471991 (2021), see also LOVD). The frequency of this variant in the general population, 0.000008 (2/251492 chromosomes (Genome Aggregation Database)), is uninformative in the assessment of its pathogenicity. Analysis of this variant using bioinformatics tools for the prediction of the effect of amino acid changes on protein structure and function yielded predictions that this variant is damaging. Based on the available information, we are unable to determine the clinical significance of this variant.

GeneDx
Classification: Uncertain significance. Last evaluated: 2024-09-16. Review status: criteria provided, single submitter. Criteria: GeneDx Variant Classification Process June 2021. Collection method: clinical testing. Allele origin: germline. Affected: yes.
Comment: Not observed at significant frequency in large population cohorts (gnomAD); In silico analysis supports that this missense variant has a deleterious effect on protein structure/function; Has not been previously published as pathogenic or benign to our knowledge; This variant is associated with the following publications: (PMID: 23108399)

Color Diagnostics, LLC DBA Color Health
Classification: Uncertain significance for Hereditary cancer-predisposing syndrome. Last evaluated: 2023-09-08. Review status: criteria provided, single submitter. Criteria: ACMG Guidelines, 2015. Collection method: clinical testing. Allele origin: germline.
Comment: This missense variant replaces histidine with arginine at codon 444 of the MUTYH protein. Computational prediction suggests that this variant may have deleterious impact on protein structure and function (internally defined REVEL score threshold >= 0.7, PMID: 27666373). To our knowledge, functional studies have not been reported for this variant. This variant has not been reported in individuals affected with MUTYH-related disorders in the literature. This variant has been identified in 2/251492 chromosomes in the general population by the Genome Aggregation Database (gnomAD). The available evidence is insufficient to determine the role of this variant in disease conclusively. Therefore, this variant is classified as a Variant of Uncertain Significance.

Literature cited by the submitters: PubMed 40738107 (cited by Ambry Genetics); PubMed 33471991 (cited by Quest Diagnostics Nichols Institute San Juan Capistrano).

NM_001048174.2(MUTYH):c.1247A>G (p.His416Arg)

Gene: MUTYH (mutY DNA glycosylase; minus strand). Cytogenetic location: 1p34.1.
Variant type: single nucleotide variant.
Coding change: c.1247A>G on transcript NM_001048174.2 (MANE Select); coding-DNA position 1247, A replaced by G.
Protein change: p.His416Arg; replaces histidine 416 with arginine.
Molecular consequence: missense variant. On other transcripts: non-coding transcript variant (2).
Genome position (GRCh38, 1-based): chr1:45,331,327, T>C on the plus strand (A>G on the coding strand, the complement: MUTYH is on the minus strand). VCF-style: chr1-45331327-T-C. GRCh37 (hg19) VCF-style: chr1-45796999-T-C.
Other names: c.1247A>G, p.His416Arg (NM_001048171.2, NM_001048173.2, NM_001293195.2); c.1250A>G, p.His417Arg (NM_001048172.2); c.1331A>G, p.His444Arg (NM_001128425.2); c.1292A>G, p.His431Arg (NM_001293190.2); c.1280A>G, p.His427Arg (NM_001293191.2); c.971A>G, p.His324Arg (NM_001293192.2, NM_001293196.2); c.902A>G, p.His301Arg (NM_001350650.2, NM_001350651.2); c.1322A>G, p.His441Arg (NM_012222.3); short protein forms H444R, H324R, H427R, H301R, H416R, H431R, H417R, H441R.
Identifiers: ClinVar variation 142069 (VCV000142069.21), dbSNP rs144309934, ClinGen allele CA012632.